The following is an entry in ClinVar:

NM_015629.4(PRPF31):c.*7G>A

Gene: PRPF31 (pre-mRNA processing factor 31; plus strand). Cytogenetic location: 19q13.42.
Variant type: single nucleotide variant.
Coding change: c.*7G>A on transcript NM_015629.4 (MANE Select); 7 bases downstream of the stop codon, G replaced by A.
Molecular consequence: 3 prime UTR variant.
Genome position (GRCh38, 1-based): chr19:54,131,439, G>A. VCF-style: chr19-54131439-G-A. GRCh37 (hg19) VCF-style: chr19-54634870-G-A.
Identifiers: ClinVar variation 3039633 (VCV003039633.3), dbSNP rs183791126, ClinGen allele CA309332407.

ClinVar aggregate classification (germline): Benign. Review status: criteria provided, single submitter (1 of 4 stars). 2 submissions from 2 submitters: Benign (1). 1 of the submissions does not count toward it. Last evaluated 2022-11-18.

Conditions:
PRPF31-related disorder. Also called: PRPF31-related condition.

Allele frequency attached by ClinVar (database versions not stated): gnomAD exomes 0.00009; ExAC 0.00035; 1000 Genomes Project 30x 0.00078; 1000 Genomes Project 0.00080; gnomAD 0.00096; TOPMed 0.00114; ESP Exome Variant Server 0.00169.
gnomAD v4.1: 286 of 1,614,060 alleles (0.018%); highest among the groups gnomAD compares: African/African-American, 0.34%; 3 homozygotes.

Submissions (2):

Blueprint Genetics
Classification: Benign. Last evaluated: 2022-11-18. Review status: criteria provided, single submitter. Criteria: ACMG Guidelines, 2015. Collection method: clinical testing. Allele origin: germline.

PreventionGenetics, part of Exact Sciences
Classification: Likely benign for PRPF31-related condition. Last evaluated: 2019-10-25. Review status: no assertion criteria provided. Collection method: clinical testing. Allele origin: germline. Not counted in ClinVar's aggregate classification.
Comment: This variant is classified as likely benign based on ACMG/AMP sequence variant interpretation guidelines (Richards et al. 2015 PMID: 25741868, with internal and published modifications).